The following is an entry in ClinVar:

ClinVar aggregate classification (germline): Uncertain significance (1 of 4 stars; one submission).

Conditions:
RYR1-related disorder. Also called: RYR1-related condition; RYR1-related disorders. Identifiers: MedGen CN239331.

gnomAD v4.1: 2 of 1,613,524 alleles (0.00012%); highest among the groups gnomAD compares: South Asian, 0.0011%; no homozygotes.

Submission:

Labcorp Genetics (formerly Invitae), Labcorp
Classification: Uncertain significance for RYR1-related disorder. Last evaluated: 2024-10-03. Review status: criteria provided, single submitter. Criteria: Invitae Variant Classification Sherloc (09022015). Collection method: clinical testing. Allele origin: germline.
Comment: This sequence change replaces methionine, which is neutral and non-polar, with isoleucine, which is neutral and non-polar, at codon 3999 of the RYR1 protein (p.Met3999Ile). This variant is not present in population databases (gnomAD no frequency). This variant has not been reported in the literature in individuals affected with RYR1-related conditions. Invitae Evidence Modeling of protein sequence and biophysical properties (such as structural, functional, and spatial information, amino acid conservation, physicochemical variation, residue mobility, and thermodynamic stability) indicates that this missense variant is not expected to disrupt RYR1 protein function with a negative predictive value of 80%. In summary, the available evidence is currently insufficient to determine the role of this variant in disease. Therefore, it has been classified as a Variant of Uncertain Significance.

NM_000540.3(RYR1):c.11997G>A (p.Met3999Ile)

Gene: RYR1 (ryanodine receptor 1; plus strand). Cytogenetic location: 19q13.2.
Variant type: single nucleotide variant.
Coding change: c.11997G>A on transcript NM_000540.3 (MANE Select); coding-DNA position 11997, G replaced by A.
Protein change: p.Met3999Ile; replaces methionine 3999 with isoleucine.
Molecular consequence: missense variant.
Genome position (GRCh38, 1-based): chr19:38,543,860, G>A. VCF-style: chr19-38543860-G-A. GRCh37 (hg19) VCF-style: chr19-39034500-G-A.
Other names: c.11982G>A, p.Met3994Ile (NM_001042723.2); short protein forms M3994I, M3999I.
Identifiers: ClinVar variation 3636247 (VCV003636247.2).